The following is an entry in ClinVar:

NM_014608.6(CYFIP1):c.666+7del

Gene: CYFIP1 (cytoplasmic FMR1 interacting protein 1; minus strand). Cytogenetic location: 15q11.2.
Variant type: Deletion.
Coding change: c.666+7del on transcript NM_014608.6 (MANE Select); 7 bases into the intron after coding-DNA position 666, one base deleted (C; older notation c.666+7delC).
Molecular consequence: intron variant.
Genome position (GRCh38, 1-based): chr15:22,939,404, G deleted on the plus strand (C on the coding strand, the reverse complement: CYFIP1 is on the minus strand). VCF-style (leftmost placement, unchanged base first): chr15-22939403-AG-A. GRCh37 (hg19) VCF-style: chr15-22933663-GC-G.
Other names: c.666+7del (NM_014608.4, NM_001324120.2, NM_001324123.3 and 1 more transcripts); c.768+7del (NM_001324119.2); c.300+7del (NM_001324125.3); c.576+7del (NM_001324124.3); c.564+7del (NM_001324126.3); c.-1163+7del (NM_001324122.3).
Identifiers: ClinVar variation 773283 (VCV000773283.12), dbSNP rs202048637, ClinGen allele CA7424325.

ClinVar aggregate classification (germline): Benign. Review status: criteria provided, multiple submitters, no conflicts (2 of 4 stars). 2 submissions from 2 submitters: Benign (2). Last evaluated 2025-07-01.

Allele frequency attached by ClinVar (database versions not stated): 1000 Genomes Project 30x 0.00437; ExAC 0.00984; gnomAD exomes 0.01008 and 0.01320; TOPMed 0.01026; gnomAD 0.01046 and 0.01059; ESP Exome Variant Server 0.01062.

Submissions (2):

CeGaT Center for Human Genetics Tuebingen
Classification: Benign. Last evaluated: 2025-07-01. Review status: criteria provided, single submitter. Criteria: CeGaT Center For Human Genetics Tuebingen Variant Classification Criteria Version 2. Collection method: clinical testing. Allele origin: germline. Affected: yes. Observed: 1 variant allele.
Comment: CYFIP1: BP4, BS1, BS2

Labcorp Genetics (formerly Invitae), Labcorp
Classification: Benign. Last evaluated: 2019-12-31. Review status: criteria provided, single submitter. Criteria: Invitae Variant Classification Sherloc (09022015). Collection method: clinical testing. Allele origin: germline.